The following is an entry in ClinVar:

NM_203475.3(PORCN):c.506C>G (p.Pro169Arg)

Gene: PORCN (porcupine O-acyltransferase; plus strand). Cytogenetic location: Xp11.23.
Variant type: single nucleotide variant.
Coding change: c.506C>G on transcript NM_203475.3 (MANE Select); coding-DNA position 506, C replaced by G.
Protein change: p.Pro169Arg; replaces proline 169 with arginine.
Molecular consequence: missense variant. On other transcripts: non-coding transcript variant (2).
Genome position (GRCh38, 1-based): chrX:48,512,458, C>G. VCF-style: chrX-48512458-C-G. GRCh37 (hg19) VCF-style: chrX-48370846-C-G.
Other names: c.293C>G, p.Pro98Arg (NM_001282167.2); c.845C>G, p.Pro282Arg (NM_001441333.1, NM_001441334.1); c.611C>G, p.Pro204Arg (NM_001441335.1); c.698C>G, p.Pro233Arg (NM_001441336.1); c.506C>G, p.Pro169Arg (NM_022825.4, NM_203473.3, NM_203474.1); short protein forms P204R, P233R, P98R, P282R, P169R.
Identifiers: ClinVar variation 4999392 (VCV004999392.1).

ClinVar aggregate classification (germline): Likely pathogenic (1 of 4 stars; one submission).

Conditions:
PORCN-related disorder. Also called: PORCN-related condition.

Submission:

PreventionGenetics, part of Exact Sciences
Classification: Likely pathogenic for PORCN-related condition. Last evaluated: 2025-06-18. Review status: criteria provided, single submitter. Criteria: ACMG Guidelines, 2015. Collection method: clinical testing. Allele origin: germline.
Comment: The PORCN c.506C>G variant is predicted to result in the amino acid substitution p.Pro169Arg. To our knowledge, this variant has not been reported in the literature or in a large population database (gnomAD), indicating this variant is rare. This variant is interpreted as likely pathogenic.